The following is an entry in ClinVar:

NM_001987.5(ETV6):c.33+10T>A

Gene: ETV6 (ETS variant transcription factor 6; plus strand). Cytogenetic location: 12p13.2.
Variant type: single nucleotide variant.
Coding change: c.33+10T>A on transcript NM_001987.5 (MANE Select); 10 bases into the intron after coding-DNA position 33, T replaced by A.
Molecular consequence: intron variant.
Genome position (GRCh38, 1-based): chr12:11,650,170, T>A. VCF-style: chr12-11650170-T-A. GRCh37 (hg19) VCF-style: chr12-11803104-T-A.
Other names: c.33+10T>A (NM_001987.4).
Identifiers: ClinVar variation 2063751 (VCV002063751.6), dbSNP rs746139322, ClinGen allele CA6453994.

ClinVar aggregate classification (germline): Likely benign. Review status: criteria provided, single submitter (1 of 4 stars). 2 submissions from 2 submitters: Likely benign (1). 1 of the submissions does not count toward it. Last evaluated 2025-12-19.

Conditions:
ETV6-related disorder. Also called: ETV6-related condition.

Allele frequency attached by ClinVar (database versions not stated): ExAC 0.00002; gnomAD 0.00005; TOPMed 0.00005.
gnomAD v4.1: 109 of 1,611,970 alleles (0.0068%); highest among the groups gnomAD compares: Non-Finnish European, 0.009%; no homozygotes.

Submissions (2):

Labcorp Genetics (formerly Invitae), Labcorp
Classification: Likely benign. Last evaluated: 2025-12-19. Review status: criteria provided, single submitter. Criteria: Invitae Variant Classification Sherloc (09022015). Collection method: clinical testing. Allele origin: germline.

PreventionGenetics, part of Exact Sciences
Classification: Likely benign for ETV6-related condition. Last evaluated: 2023-12-28. Review status: no assertion criteria provided. Collection method: clinical testing. Allele origin: germline. Not counted in ClinVar's aggregate classification.
Comment: This variant is classified as likely benign based on ACMG/AMP sequence variant interpretation guidelines (Richards et al. 2015 PMID: 25741868, with internal and published modifications).